The following is an entry in ClinVar:

NM_198053.3(CD247):c.393+45C>T

Gene: CD247 (CD247 molecule; minus strand). Cytogenetic location: 1q24.2.
Variant type: single nucleotide variant.
Coding change: c.393+45C>T on transcript NM_198053.3 (MANE Select); 45 bases into the intron after coding-DNA position 393, C replaced by T.
Molecular consequence: intron variant.
Genome position (GRCh38, 1-based): chr1:167,433,975, G>A on the plus strand (C>T on the coding strand, the complement: CD247 is on the minus strand). VCF-style: chr1-167433975-G-A. GRCh37 (hg19) VCF-style: chr1-167403212-G-A.
Other names: c.390+45C>T (NM_000734.4); c.483+45C>T (NM_001378516.1); c.486+45C>T (NM_001378515.1).
Identifiers: ClinVar variation 1265565 (VCV001265565.5), dbSNP rs952963, ClinGen allele CA1225916.

ClinVar aggregate classification (germline): Benign. Review status: criteria provided, multiple submitters, no conflicts (2 of 4 stars). 3 submissions from 3 submitters: Benign (3). Last evaluated 2023-11-12.

Allele frequency attached by ClinVar (database versions not stated): gnomAD exomes 0.11163 and 0.11718; ExAC 0.11972; TOPMed 0.14003; ESP Exome Variant Server 0.14363; 1000 Genomes Project 30x 0.15678; 1000 Genomes Project 0.15715.
gnomAD v4.1: 174,857 of 1,530,668 alleles (11%); highest among the groups gnomAD compares: East Asian, 23%; 10,830 homozygotes.

Submissions (3):

Unidad de Genómica Garrahan, Hospital de Pediatría Garrahan
Classification: Benign. Last evaluated: 2023-11-12. Review status: criteria provided, single submitter. Criteria: ACMG Guidelines, 2015. Collection method: clinical testing. Allele origin: germline. Affected: no. Observed: 23 variant alleles.
Comment: This variant is classified as Benign based on local population frequency. This variant was detected in 24% of patients studied by a panel of primary immunodeficiencies. Number of patients: 23. Only high quality variants are reported.

GeneDx
Classification: Benign. Last evaluated: 2018-07-25. Review status: criteria provided, single submitter. Criteria: GeneDx Variant Classification Process June 2021. Collection method: clinical testing. Allele origin: germline. Affected: yes.

Breakthrough Genomics
Classification: Benign. Review status: criteria provided, single submitter. Criteria: ACMG Guidelines, 2015. Collection method: not provided. Allele origin: germline. Inheritance: Autosomal recessive inheritance. Affected: yes.